The following is an entry in ClinVar:

NM_000186.4(CFH):c.3592G>T (p.Glu1198Ter)

Gene: CFH (complement factor H; plus strand). Cytogenetic location: 1q31.3.
Variant type: single nucleotide variant.
Coding change: c.3592G>T on transcript NM_000186.4 (MANE Select); coding-DNA position 3592, G replaced by T.
Protein change: p.Glu1198Ter; replaces glutamic acid 1198 with a stop codon.
Molecular consequence: nonsense.
Genome position (GRCh38, 1-based): chr1:196,747,209, G>T. VCF-style: chr1-196747209-G-T. GRCh37 (hg19) VCF-style: chr1-196716339-G-T.
Other names: short protein forms E1198*.
Identifiers: ClinVar variation 16563 (VCV000016563.2), dbSNP rs121913063, ClinGen allele CA257522.
Genomic context (GRCh38, chr1:196,747,209, plus strand): 5'-AACATAGCATTAAGGTGGACAGCCAAACAGAAGCTTTATTCGAGAACAGGTGAATCAGTT[G>T]AATTTGTGTGTAAACGGGGATATCGTCTTTCATCACGTTCTCACACATTGCGAACAACAT-3'

ClinVar aggregate classification (germline): Pathogenic, low penetrance. Review status: criteria provided, single submitter (1 of 4 stars). 2 submissions from 2 submitters: Pathogenic, low penetrance (1). 1 of the submissions does not count toward it. Last evaluated 2025-10-02.

Conditions:
Atypical hemolytic-uremic syndrome. Identifiers: Orphanet 2134, MedGen C2931788, MONDO:0016244.
Hemolytic uremic syndrome, atypical, susceptibility to, 1. Also called: AHUS, SUSCEPTIBILITY TO, 1. Identifiers: Orphanet 2134, Orphanet 90038, MedGen C2749604, MONDO:0009335, OMIM 235400. Disease mechanism: Other.

Submissions (2):

Genomenon, Inc
Classification: Pathogenic, low penetrance for Atypical hemolytic-uremic syndrome. Last evaluated: 2025-10-02. Review status: criteria provided, single submitter. Criteria: Genomenon Sequence Variant Interpretation Standards - Updated. Collection method: curation. Allele origin: germline. Affected: yes.
Comment: CFH p.Glu1198Ter (c.3592G>T) is a nonsense variant that introduces a premature stop codon at amino acid position 1198, creating a truncated protein that is predicted to undergo nonsense-mediated mRNA decay. This variant has been observed in at least one proband affected with atypical hemolytic-uremic syndrome (PMID:18268093). It is absent or not present at a significant frequency in gnomAD. In conclusion, we classify CFH p.Glu1198Ter (c.3592G>T) as a pathogenic, low penetrance variant.

OMIM
Classification: risk factor for HEMOLYTIC UREMIC SYNDROME, ATYPICAL, SUSCEPTIBILITY TO, 1. Last evaluated: 2008-06-01. Review status: no assertion criteria provided. Collection method: literature only. Allele origin: germline. Not counted in ClinVar's aggregate classification.

Literature cited by the submitters: PubMed 18268093 (cited by Genomenon, Inc and OMIM).